The following is an entry in ClinVar:

NM_145262.4(GLYCTK):c.508C>G (p.Leu170Val)

Gene: GLYCTK (glycerate kinase; plus strand). Cytogenetic location: 3p21.2.
Variant type: single nucleotide variant.
Coding change: c.508C>G on transcript NM_145262.4 (MANE Select); coding-DNA position 508, C replaced by G.
Protein change: p.Leu170Val; replaces leucine 170 with valine.
Molecular consequence: missense variant. On other transcripts: non-coding transcript variant (4).
Genome position (GRCh38, 1-based): chr3:52,291,090, C>G. VCF-style: chr3-52291090-C-G. GRCh37 (hg19) VCF-style: chr3-52325106-C-G.
Other names: p.Leu170Val; c.508C>G, p.Leu170Val (NM_001144951.2); short protein forms L170V.
Identifiers: ClinVar variation 1168988 (VCV001168988.9), dbSNP rs35130772, ClinGen allele CA2432094.

ClinVar aggregate classification (germline): Benign. Review status: criteria provided, multiple submitters, no conflicts (2 of 4 stars). 3 submissions from 3 submitters: Benign (3). Last evaluated 2026-02-02.

Allele frequency attached by ClinVar (database versions not stated): ExAC 0.03768; gnomAD exomes 0.03800; gnomAD 0.03625 and 0.03658; 1000 Genomes Project 0.03035; TOPMed 0.03765; 1000 Genomes Project 30x 0.02998; ESP Exome Variant Server 0.03844.

Submissions (3):

Labcorp Genetics (formerly Invitae), Labcorp
Classification: Benign. Last evaluated: 2026-02-02. Review status: criteria provided, single submitter. Criteria: Invitae Variant Classification Sherloc (09022015). Collection method: clinical testing. Allele origin: germline.

Mayo Clinic Laboratories, Mayo Clinic
Classification: Benign. Last evaluated: 2022-11-16. Review status: criteria provided, single submitter. Criteria: ACMG Guidelines, 2015. Collection method: clinical testing. Allele origin: germline. Observed: 14 variant alleles.
Comment: BA1, BP4

Breakthrough Genomics
Classification: Benign. Review status: criteria provided, single submitter. Criteria: ACMG Guidelines, 2015. Collection method: not provided. Allele origin: germline. Inheritance: Autosomal recessive inheritance. Affected: yes.